The following is an entry in ClinVar:

ClinVar aggregate classification (germline): Likely pathogenic (1 of 4 stars; one submission).

Conditions:
GNPTAB-mucolipidosis. Also called: UDP-N-acetylglucosamine-1-phosphotransferase subunit alpha/beta deficiency. Identifiers: MedGen CN322573, MONDO:0100122.

Submission:

Myriad Genetics, Inc.
Classification: Likely pathogenic for GNPTAB-mucolipidosis. Last evaluated: 2025-05-29. Review status: criteria provided, single submitter. Criteria: Myriad Autosomal Dominant, Autosomal Recessive and X-Linked Classification Criteria (2023). Collection method: clinical testing. Allele origin: unknown.
Comment: NM_024312.4(GNPTAB):c.118-1G>C is a variant in a canonical splice site classified as likely pathogenic in the context of GNPTAB-related disorders. c.118-1G>C has not been observed in cases with relevant disease. Relevant functional assessments of this variant are not available in the literature. c.118-1G>C has not been observed in referenced population frequency databases. In summary, NM_024312.4(GNPTAB):c.118-1G>C is a variant in a canonical splice site in a gene where loss of function is a known mechanism of disease and is predicted to disrupt protein function. Please note: this variant was assessed in the context of healthy population screening.

NM_024312.5(GNPTAB):c.118-1G>C

Gene: GNPTAB (N-acetylglucosamine-1-phosphate transferase subunits alpha and beta; minus strand). Cytogenetic location: 12q23.2.
Variant type: single nucleotide variant.
Coding change: c.118-1G>C on transcript NM_024312.5 (MANE Select); the canonical splice acceptor site of the intron before coding-DNA position 118, G replaced by C.
Molecular consequence: splice acceptor variant.
Genome position (GRCh38, 1-based): chr12:101,796,763, C>G on the plus strand (G>C on the coding strand, the complement: GNPTAB is on the minus strand). VCF-style: chr12-101796763-C-G. GRCh37 (hg19) VCF-style: chr12-102190541-C-G.
Identifiers: ClinVar variation 4081698 (VCV004081698.1).